The following is an entry in ClinVar:

NM_018341.3(ERMARD):c.7-23TTTTA[2]

Gene: ERMARD (ER membrane associated RNA degradation; plus strand). Cytogenetic location: 6q27.
Variant type: Microsatellite.
Coding change: c.7-23TTTTA[2] on transcript NM_018341.3 (MANE Select); two copies in a row of the 5-base unit TTTTA starting at c.7-23.
Molecular consequence: intron variant.
Genome position: GRCh38 VCF-style: chr6-169753840-CTTTTA-C. GRCh37 (hg19) VCF-style: chr6-170153936-CTTTTA-C.
Other names: c.7-23TTTTA[2] (NM_001278531.2, NM_001278533.2); c.-203-1442TTTTA[2] (NM_001278532.2); c.7-9_7-5del5 (NM_018341.2).
Identifiers: ClinVar variation 1904125 (VCV001904125.7), dbSNP rs768502290, ClinGen allele CA4105705.

ClinVar aggregate classification (germline): Likely benign. Review status: criteria provided, single submitter (1 of 4 stars). 2 submissions from 2 submitters: Likely benign (1). 1 of the submissions does not count toward it. Last evaluated 2024-08-07.

Conditions:
ERMARD-related disorder. Also called: ERMARD-related condition.

Submissions (2):

Labcorp Genetics (formerly Invitae), Labcorp
Classification: Likely benign. Last evaluated: 2024-08-07. Review status: criteria provided, single submitter. Criteria: Invitae Variant Classification Sherloc (09022015). Collection method: clinical testing. Allele origin: germline.

PreventionGenetics, part of Exact Sciences
Classification: Likely benign for ERMARD-related condition. Last evaluated: 2024-01-10. Review status: no assertion criteria provided. Collection method: clinical testing. Allele origin: germline. Not counted in ClinVar's aggregate classification.
Comment: This variant is classified as likely benign based on ACMG/AMP sequence variant interpretation guidelines (Richards et al. 2015 PMID: 25741868, with internal and published modifications).